The following is an entry in ClinVar:

ClinVar aggregate classification (germline): Likely pathogenic (1 of 4 stars; one submission).

Conditions:
PURA-related severe neonatal hypotonia-seizures-encephalopathy syndrome (NEDRIHF). Also called: PURA-Related Neurodevelopmental Disorders; NEURODEVELOPMENTAL DISORDER WITH NEONATAL RESPIRATORY INSUFFICIENCY, HYPOTONIA, AND FEEDING DIFFICULTIES. Identifiers: Orphanet 438213, Orphanet 438216, MedGen C4015357, MONDO:1060108, OMIM 616158, MONDO:0018580.

Submission:

MGZ Medical Genetics Center
Classification: Likely pathogenic for PURA-related severe neonatal hypotonia-seizures-encephalopathy syndrome. Last evaluated: 2021-10-13. Review status: criteria provided, single submitter. Criteria: ACMG Guidelines, 2015. Collection method: clinical testing. Allele origin: germline. Affected: yes. Observed: 1 variant allele.
Comment: ACMG criteria applied: PS2, PM2_SUP, PP2, PP3

NM_005859.5(PURA):c.259A>G (p.Lys87Glu)

Gene: PURA (purine rich element binding protein A; plus strand). Cytogenetic location: 5q31.3.
Variant type: single nucleotide variant.
Coding change: c.259A>G on transcript NM_005859.5 (MANE Select); coding-DNA position 259, A replaced by G.
Protein change: p.Lys87Glu; replaces lysine 87 with glutamic acid.
Molecular consequence: missense variant.
Genome position (GRCh38, 1-based): chr5:140,114,440, A>G. VCF-style: chr5-140114440-A-G. GRCh37 (hg19) VCF-style: chr5-139494025-A-G.
Other names: short protein forms K87E.
Identifiers: ClinVar variation 1709637 (VCV001709637.2), dbSNP rs2479504617, ClinGen allele CA361490371.